The following is an entry in ClinVar:

ClinVar aggregate classification (germline): Uncertain significance. Review status: criteria provided, multiple submitters, no conflicts (2 of 4 stars). 2 submissions from 2 submitters: Uncertain significance (2). Last evaluated 2025-11-12.

Conditions:
RASopathy. Also called: Noonan spectrum disorder; rasopathies. Identifiers: Orphanet 536391, MedGen C5555857, MONDO:0021060.

Allele frequency attached by ClinVar (database versions not stated): TOPMed below 0.00001; gnomAD 0.00001.
gnomAD v4.1: 1 of 1,613,710 alleles (0.000062%); highest among the groups gnomAD compares: East Asian, 0.0022%; no homozygotes.

Submissions (2):

Labcorp Genetics (formerly Invitae), Labcorp
Classification: Uncertain significance for RASopathy. Last evaluated: 2025-11-12. Review status: criteria provided, single submitter. Criteria: Invitae Variant Classification Sherloc (09022015). Collection method: clinical testing. Allele origin: germline.
Comment: This sequence change replaces proline, which is neutral and non-polar, with arginine, which is basic and polar, at codon 559 of the PTPN11 protein (p.Pro559Arg). This variant is not present in population databases (gnomAD no frequency). This variant has not been reported in the literature in individuals affected with PTPN11-related conditions. ClinVar contains an entry for this variant (Variation ID: 577374). Invitae Evidence Modeling of protein sequence and biophysical properties (such as structural, functional, and spatial information, amino acid conservation, physicochemical variation, residue mobility, and thermodynamic stability) indicates that this missense variant is not expected to disrupt PTPN11 protein function with a negative predictive value of 80%. In summary, the available evidence is currently insufficient to determine the role of this variant in disease. Therefore, it has been classified as a Variant of Uncertain Significance.

GeneDx
Classification: Uncertain significance. Last evaluated: 2022-02-10. Review status: criteria provided, single submitter. Criteria: GeneDx Variant Classification Process June 2021. Collection method: clinical testing. Allele origin: germline. Affected: yes.
Comment: Not observed at significant frequency in large population cohorts (gnomAD); Missense variants in this gene are often considered pathogenic (HGMD); In silico analysis supports that this missense variant does not alter protein structure/function; Has not been previously published as pathogenic or benign to our knowledge; This variant is associated with the following publications: (PMID: 29493581)

NM_002834.5(PTPN11):c.1676C>G (p.Pro559Arg)

Gene: PTPN11 (protein tyrosine phosphatase non-receptor type 11; plus strand). Cytogenetic location: 12q24.13.
Variant type: single nucleotide variant.
Coding change: c.1676C>G on transcript NM_002834.5 (MANE Select); coding-DNA position 1676, C replaced by G.
Protein change: p.Pro559Arg; replaces proline 559 with arginine.
Molecular consequence: missense variant.
Genome position (GRCh38, 1-based): chr12:112,502,220, C>G. VCF-style: chr12-112502220-C-G. GRCh37 (hg19) VCF-style: chr12-112940024-C-G.
Other names: c.1688C>G, p.Pro563Arg (NM_001330437.2); c.1673C>G, p.Pro558Arg (NM_001374625.1); short protein forms P559R, P563R, P558R.
Identifiers: ClinVar variation 577374 (VCV000577374.12), dbSNP rs1253971623, ClinGen allele CA386783491.
Genomic context (GRCh38, chr12:112,502,220, plus strand): 5'-GGCACGAATATACAAATATTAAGTATTCTCTAGCGGACCAGACGAGTGGAGATCAGAGCC[C>G]TCTCCCGCCTTGTACTCCAACGCCACCCTGTGCAGAGTAAGTAGTGCTGAAGGAAATTCT-3'
Protein context (NP_002825.3, residues 549-569): LADQTSGDQS[Pro559Arg]LPPCTPTPPC